The following is an entry in ClinVar:

NM_000246.4(CIITA):c.481+1G>A

Gene: CIITA (class II major histocompatibility complex transactivator; plus strand). Cytogenetic location: 16p13.13.
Variant type: single nucleotide variant.
Coding change: c.481+1G>A on transcript NM_000246.4 (MANE Select); the canonical splice donor site of the intron after coding-DNA position 481, G replaced by A.
Molecular consequence: splice donor variant.
Genome position (GRCh38, 1-based): chr16:10,901,559, G>A. VCF-style: chr16-10901559-G-A. GRCh37 (hg19) VCF-style: chr16-10995416-G-A.
Other names: c.484+1G>A (NM_001286402.1, NM_001379332.1, NM_001379330.1); c.481+1G>A (NM_001379333.1, NM_001379331.1, NM_001286403.2); c.412+1G>A (NM_001379334.1).
Identifiers: ClinVar variation 2026307 (VCV002026307.4), dbSNP rs2544391908, ClinGen allele CA394728026.

ClinVar aggregate classification (germline): Likely pathogenic (1 of 4 stars; one submission).

Conditions:
MHC class II deficiency. Also called: Bare lymphocyte syndrome 2; BLS, TYPE II. Identifiers: Orphanet 572, MedGen C5447452, MONDO:0008855.

Allele frequency attached by ClinVar (database versions not stated): gnomAD exomes below 0.00001.
gnomAD v4.1: 2 of 1,613,972 alleles (0.00012%); highest among the groups gnomAD compares: Non-Finnish European, 0.00017%; no homozygotes.

Submission:

Labcorp Genetics (formerly Invitae), Labcorp
Classification: Likely pathogenic for MHC class II deficiency. Last evaluated: 2022-08-22. Review status: criteria provided, single submitter. Criteria: Invitae Variant Classification Sherloc (09022015). Collection method: clinical testing. Allele origin: germline.
Comment: This sequence change affects a donor splice site in intron 6 of the CIITA gene. It is expected to disrupt RNA splicing. Variants that disrupt the donor or acceptor splice site typically lead to a loss of protein function (PMID: 16199547), and loss-of-function variants in CIITA are known to be pathogenic (PMID: 8402893, 9099848, 26271388). This variant is not present in population databases (gnomAD no frequency). This variant has not been reported in the literature in individuals affected with CIITA-related conditions. Algorithms developed to predict the effect of sequence changes on RNA splicing suggest that this variant may disrupt the consensus splice site. In summary, the currently available evidence indicates that the variant is pathogenic, but additional data are needed to prove that conclusively. Therefore, this variant has been classified as Likely Pathogenic.

Literature cited by the submitters: PubMed 16199547; PubMed 8402893; PubMed 9099848; PubMed 26271388.